The following is an entry in ClinVar:

ClinVar aggregate classification (germline): Benign/Likely benign. Review status: criteria provided, multiple submitters, no conflicts (2 of 4 stars). 6 submissions from 6 submitters: Benign (2); Likely benign (4). Last evaluated 2026-02-01.

Conditions:
Cone-rod dystrophy 9 (CORD9). Identifiers: Orphanet 1872, MedGen C1423873, MONDO:0013002, OMIM 612775.

Allele frequency attached by ClinVar (database versions not stated): ESP Exome Variant Server 0.01046; gnomAD exomes 0.01336 and 0.00743; 1000 Genomes Project 30x 0.00312; 1000 Genomes Project 0.00359; ExAC 0.00763; TOPMed 0.00792; gnomAD 0.00828 and 0.00852.
gnomAD v4.1: 20,686 of 1,614,086 alleles (1.3%); highest among the groups gnomAD compares: Non-Finnish European, 1.6%; 177 homozygotes.

Submissions (6):

Labcorp Genetics (formerly Invitae), Labcorp
Classification: Benign. Last evaluated: 2026-02-01. Review status: criteria provided, single submitter. Criteria: Invitae Variant Classification Sherloc (09022015). Collection method: clinical testing. Allele origin: germline.

CeGaT Center for Human Genetics Tuebingen
Classification: Benign. Last evaluated: 2023-11-01. Review status: criteria provided, single submitter. Criteria: CeGaT Center For Human Genetics Tuebingen Variant Classification Criteria Version 2. Collection method: clinical testing. Allele origin: germline. Affected: yes. Observed: 3 variant alleles.
Comment: ADAM9: BP4, BP7, BS1, BS2

GeneDx
Classification: Likely benign. Last evaluated: 2021-01-13. Review status: criteria provided, single submitter. Criteria: GeneDx Variant Classification Process June 2021. Collection method: clinical testing. Allele origin: germline. Affected: yes.

Illumina Laboratory Services, Illumina
Classification: Likely benign for Cone-rod dystrophy 9. Last evaluated: 2018-01-12. Review status: criteria provided, single submitter. Criteria: ICSL Variant Classification Criteria 13 December 2019. Collection method: clinical testing. Allele origin: germline.
Comment: This variant was observed in the ICSL laboratory as part of a predisposition screen in an ostensibly healthy population. It had not been previously curated by ICSL or reported in the Human Gene Mutation Database (HGMD: prior to June 1st, 2018), and was therefore a candidate for classification through an automated scoring system. Utilizing variant allele frequency, disease prevalence and penetrance estimates, and inheritance mode, an automated score was calculated to assess if this variant is too frequent to cause the disease. Based on the score and internal cut-off values, a variant classified as likely benign is not then subjected to further curation. The score for this variant resulted in a classification of likely benign for this disease.

Breakthrough Genomics
Classification: Likely benign. Review status: criteria provided, single submitter. Criteria: ACMG Guidelines, 2015. Collection method: not provided. Allele origin: germline. Inheritance: Autosomal recessive inheritance. Affected: yes.

PreventionGenetics, part of Exact Sciences
Classification: Likely benign. Review status: criteria provided, single submitter. Criteria: ACMG Guidelines, 2015. Collection method: clinical testing. Allele origin: germline.

NM_003816.3(ADAM9):c.1071C>T (p.His357=)

Gene: ADAM9 (ADAM metallopeptidase domain 9; plus strand). Cytogenetic location: 8p11.22.
Variant type: single nucleotide variant.
Coding change: c.1071C>T on transcript NM_003816.3 (MANE Select); coding-DNA position 1071, C replaced by T.
Protein change: p.His357=; no amino-acid change (histidine 357 retained).
Molecular consequence: synonymous variant. On other transcripts: non-coding transcript variant (3).
Genome position (GRCh38, 1-based): chr8:39,026,751, C>T. VCF-style: chr8-39026751-C-T. GRCh37 (hg19) VCF-style: chr8-38884270-C-T.
Identifiers: ClinVar variation 259174 (VCV000259174.42), dbSNP rs61753674, ClinGen allele CA4721519.